The following is an entry in ClinVar:

ClinVar aggregate classification (germline): Conflicting classifications of pathogenicity. Review status: criteria provided, conflicting classifications (1 of 4 stars). 3 submissions from 3 submitters: Uncertain significance (1); Likely benign (2). Last evaluated 2025-10-28.

Conditions:
Melnick-Needles syndrome (MNS). Also called: MELNICK-NEEDLES OSTEODYSPLASTY; OSTEODYSPLASTY OF MELNICK AND NEEDLES; Melnick-Needles Syndrome (FLNA-MNS). Identifiers: Orphanet 2484, MedGen C0025237, MONDO:0010650, OMIM 309350.
Frontometaphyseal dysplasia (FMD1). Identifiers: Orphanet 1826, MedGen C0265293, MONDO:0015942.
Heterotopia, periventricular, X-linked dominant (PVNH1). Also called: PERIVENTRICULAR NODULAR HETEROTOPIA 1; X-linked periventricular heterotopia; PERIVENTRICULAR NODULAR HETEROTOPIA 4; HETEROTOPIA, PERIVENTRICULAR, 1. Identifiers: Orphanet 2149, Orphanet 82004, MedGen C1848213, MONDO:0010233, OMIM 300049.
Oto-palato-digital syndrome, type II (OPD2). Also called: FACIOPALATOOSSEOUS SYNDROME; Otopalatodigital Syndrome, Type II; OPD II SYNDROME; Otopalatodigital Syndrome Type 2 (FLNA-OPD2). Identifiers: Orphanet 669, Orphanet 90652, MedGen C1844696, MONDO:0010571, OMIM 304120.
Familial thoracic aortic aneurysm and aortic dissection (TAAD). Also called: Thoracic aortic aneurysms and dissections. Identifiers: Orphanet 91387, MedGen C4707243, MONDO:0019625.

Allele frequency attached by ClinVar (database versions not stated): ExAC 0.00001; gnomAD exomes 0.00001 and 0.00002; TOPMed 0.00002.
gnomAD v4.1: 20 of 1,211,928 alleles (0.0017%); highest among the groups gnomAD compares: Non-Finnish European, 0.0021%; no homozygotes.

Submissions (3):

Labcorp Genetics (formerly Invitae), Labcorp
Classification: Likely benign for Oto-palato-digital syndrome, type II; Heterotopia, periventricular, X-linked dominant; Frontometaphyseal dysplasia; Melnick-Needles syndrome. Last evaluated: 2025-10-28. Review status: criteria provided, single submitter. Criteria: Invitae Variant Classification Sherloc (09022015). Collection method: clinical testing. Allele origin: germline.

GeneDx
Classification: Likely benign. Last evaluated: 2018-05-22. Review status: criteria provided, single submitter. Criteria: GeneDx Variant Classification (06012015). Collection method: clinical testing. Allele origin: germline. Affected: yes.
Comment: This variant is considered likely benign or benign based on one or more of the following criteria: it is a conservative change, it occurs at a poorly conserved position in the protein, it is predicted to be benign by multiple in silico algorithms, and/or has population frequency not consistent with disease.

Ambry Genetics
Classification: Uncertain significance for Familial thoracic aortic aneurysm and aortic dissection. Last evaluated: 2017-05-15. Review status: criteria provided, single submitter. Criteria: Ambry Variant Classification Scheme 2023. Collection method: clinical testing. Allele origin: germline.
Comment: The p.V2195I variant (also known as c.6583G>A), located in coding exon 39 of the FLNA gene, results from a G to A substitution at nucleotide position 6583. The valine at codon 2195 is replaced by isoleucine, an amino acid with highly similar properties. This amino acid position is highly conserved in available vertebrate species. In addition, this alteration is predicted to be tolerated by in silico analysis. Since supporting evidence is limited at this time, the clinical significance of this alteration remains unclear.

NM_001110556.2(FLNA):c.6607G>A (p.Val2203Ile)

Gene: FLNA (filamin A; minus strand). Cytogenetic location: Xq28.
Variant type: single nucleotide variant.
Coding change: c.6607G>A on transcript NM_001110556.2 (MANE Select); coding-DNA position 6607, G replaced by A.
Protein change: p.Val2203Ile; replaces valine 2203 with isoleucine.
Molecular consequence: missense variant.
Genome position (GRCh38, 1-based): chrX:154,352,343, C>T on the plus strand (G>A on the coding strand, the complement: FLNA is on the minus strand). VCF-style: chrX-154352343-C-T. GRCh37 (hg19) VCF-style: chrX-153580711-C-T.
Other names: c.6583G>A, p.Val2195Ile (NM_001456.4); short protein forms V2195I, V2203I.
Identifiers: ClinVar variation 546120 (VCV000546120.11), dbSNP rs782562592, ClinGen allele CA10560059.